The following is an entry in ClinVar:

NM_000492.4(CFTR):c.1210-34TG[10]

Genes: CFTR (CF transmembrane conductance regulator; plus strand), CFTR-AS1 (CFTR antisense RNA 1; minus strand). Cytogenetic location: 7q31.2.
Variant type: Microsatellite.
Coding change: c.1210-34TG[10] on transcript NM_000492.4 (MANE Select); ten copies in a row of the 2-base unit TG starting at c.1210-34.
Molecular consequence: intron variant.
Genome position: GRCh38 VCF-style: chr7-117548606-ATG-A. GRCh37 (hg19) VCF-style: chr7-117188660-ATG-A.
Other names: c.1210-13_1210-12delGT (NM_000492.3); c.1210-14_1210-13del (NM_000492.3).
Identifiers: ClinVar variation 439475 (VCV000439475.33), dbSNP rs3832534, ClinGen allele CA132746.
Genomic context (GRCh38, chr7:117,548,606, plus strand): 5'-TAATTGTACATAAAACAAGCATCTATTGAAAATATCTGACAAACTCATCTTTTATTTTTG[ATG>A]TGTGTGTGTGTGTGTGTGTGTTTTTTTAACAGGGATTTGGGGAATTATTTGAGAAAGCAA-3'

ClinVar aggregate classification (germline): Benign/Likely benign. Review status: criteria provided, multiple submitters, no conflicts (2 of 4 stars). 7 submissions from 6 submitters: Benign (5); Likely benign (1). 1 of the submissions does not count toward it. Last evaluated 2025-07-31.

Conditions:
Inborn genetic diseases. Identifiers: MedGen C0950123, MeSH D030342.
Cystic fibrosis (CF). Also called: MUCOVISCIDOSIS. Identifiers: Orphanet 586, MedGen C0010674, MONDO:0009061, OMIM 219700. Disease mechanism: loss of function.

Submissions (7):

ARUP Laboratories, Molecular Genetics and Genomics, ARUP Laboratories
Classification: Benign. Last evaluated: 2025-07-31. Review status: criteria provided, single submitter. Criteria: ARUP Molecular Germline Variant Investigation Process 2024. Collection method: clinical testing. Allele origin: germline.

Labcorp Genetics (formerly Invitae), Labcorp
Classification: Benign for Cystic fibrosis. Last evaluated: 2021-12-17. Review status: criteria provided, single submitter. Criteria: Invitae Variant Classification Sherloc (09022015). Collection method: clinical testing. Allele origin: germline.

Ambry Genetics
Classification: Likely benign for Inborn genetic diseases. Last evaluated: 2018-10-11. Review status: criteria provided, single submitter. Criteria: Ambry Autosomal Dominant and X-Linked criteria (3/2017). Collection method: clinical testing. Allele origin: germline. Observed: 1 variant allele.
Comment: Other strong data

CFTR-France
Classification: Benign for cystic fibrosis. Last evaluated: 2018-01-29. Review status: criteria provided, single submitter. Criteria: Claustres M et al. (Hum Mutat 2017). Collection method: curation. Allele origin: germline. Affected: yes and no.
Comment: the variant does not result in CFTR-RD neither

GeneDx
Classification: Benign. Last evaluated: 2017-12-27. Review status: criteria provided, single submitter. Criteria: GeneDx Variant Classification Process June 2021. Collection method: clinical testing. Allele origin: germline. Affected: yes.

Laboratory for Molecular Medicine, Mass General Brigham Personalized Medicine
Classification: Benign. Last evaluated: 2015-04-29. Review status: criteria provided, single submitter. Criteria: LMM Criteria. Collection method: clinical testing. Allele origin: germline. Observed: 41 variant alleles.
Comment: c.1210-14_1210-13delTG in intron 9 of CFTR: This variant is not expected to have clinical significance because it has been identified in 47% (582/3375) of Afric an chromosomes by the Exome Aggregation Consortium (ExAC; dbSNP rs3832534).

GeneDx
Classification: Benign. Last evaluated: 2018-03-17. Review status: flagged submission. Criteria: GeneDx Variant Classification (06012015). Collection method: clinical testing. Allele origin: germline. Affected: yes. Not counted in ClinVar's aggregate classification.
Comment: This variant is considered likely benign or benign based on one or more of the following criteria: it is a conservative change, it occurs at a poorly conserved position in the protein, it is predicted to be benign by multiple in silico algorithms, and/or has population frequency not consistent with disease.
ClinVar note: Reason: This record appears to be redundant with a more recent record from the same submitter.
ClinVar note: Notes: SCV000729761 appears to be redundant with SCV001845462.

Literature cited by the submitters: PubMed 1709095 (cited by Laboratory for Molecular Medicine, Mass General Brigham Personalized Medicine); PubMed 9435322 (cited by Laboratory for Molecular Medicine, Mass General Brigham Personalized Medicine); PubMed 14685937 (cited by Laboratory for Molecular Medicine, Mass General Brigham Personalized Medicine); PubMed 17314234 (cited by Laboratory for Molecular Medicine, Mass General Brigham Personalized Medicine).